The following is an entry in ClinVar:

NM_001035.3(RYR2):c.169-2A>G

Gene: RYR2 (ryanodine receptor 2; plus strand). Cytogenetic location: 1q43.
Variant type: single nucleotide variant.
Coding change: c.169-2A>G on transcript NM_001035.3 (MANE Select); the canonical splice acceptor site of the intron before coding-DNA position 169, A replaced by G.
Molecular consequence: splice acceptor variant.
Genome position (GRCh38, 1-based): chr1:237,330,876, A>G. VCF-style: chr1-237330876-A-G. GRCh37 (hg19) VCF-style: chr1-237494176-A-G.
Identifiers: ClinVar variation 3778437 (VCV003778437.7).
Genomic context (GRCh38, chr1:237,330,876, plus strand): 5'-AAGCTGGGTCTGGATGCTTGATGAAGATGATGCTGCTGACTGCTCTTCCTCTTTCTGTGC[A>G]GAATGTGCCCCCAGACCTCTCCATCTGCACCTTTGTGCTGGAGCAGTCCCTCTCTGTCCG-3'

ClinVar aggregate classification (germline): Uncertain significance (1 of 4 stars; one submission).

gnomAD v4.1: 1 of 1,613,442 alleles (0.000062%); no homozygotes.

Submission:

CeGaT Center for Human Genetics Tuebingen
Classification: Uncertain significance. Last evaluated: 2025-03-01. Review status: criteria provided, single submitter. Criteria: CeGaT Center For Human Genetics Tuebingen Variant Classification Criteria Version 2. Collection method: clinical testing. Allele origin: germline. Affected: yes. Observed: 1 variant allele.
Comment: RYR2: PM2, PVS1:Supporting